The following is an entry in ClinVar:

ClinVar aggregate classification (germline): Uncertain significance. Review status: criteria provided, multiple submitters, no conflicts (2 of 4 stars). 2 submissions from 2 submitters: Uncertain significance (2). Last evaluated 2024-09-12.

Conditions:
Hereditary cancer-predisposing syndrome. Also called: Neoplastic Syndromes, Hereditary; Tumor predisposition; Hereditary Cancer Syndrome; Hereditary neoplastic syndrome. Identifiers: Orphanet 140162, MedGen C0027672, MeSH D009386, MONDO:0015356.

Allele frequency attached by ClinVar (database versions not stated): gnomAD exomes below 0.00001; TOPMed below 0.00001; gnomAD 0.00001.
gnomAD v4.1: 4 of 1,595,918 alleles (0.00025%); highest among the groups gnomAD compares: South Asian, 0.0011%; no homozygotes.

Submissions (2):

Labcorp Genetics (formerly Invitae), Labcorp
Classification: Uncertain significance for Hereditary cancer-predisposing syndrome. Last evaluated: 2024-09-12. Review status: criteria provided, single submitter. Criteria: Invitae Variant Classification Sherloc (09022015). Collection method: clinical testing. Allele origin: germline.
Comment: This sequence change replaces asparagine, which is neutral and polar, with histidine, which is basic and polar, at codon 931 of the RAD50 protein (p.Asn931His). The frequency data for this variant in the population databases is considered unreliable, as metrics indicate poor data quality at this position in the gnomAD database. This variant has not been reported in the literature in individuals affected with RAD50-related conditions. ClinVar contains an entry for this variant (Variation ID: 141619). Invitae Evidence Modeling of protein sequence and biophysical properties (such as structural, functional, and spatial information, amino acid conservation, physicochemical variation, residue mobility, and thermodynamic stability) indicates that this missense variant is not expected to disrupt RAD50 protein function with a negative predictive value of 80%. In summary, the available evidence is currently insufficient to determine the role of this variant in disease. Therefore, it has been classified as a Variant of Uncertain Significance.

Ambry Genetics
Classification: Uncertain significance for Hereditary cancer-predisposing syndrome. Last evaluated: 2024-03-13. Review status: criteria provided, single submitter. Criteria: Ambry Variant Classification Scheme 2023. Collection method: clinical testing. Allele origin: germline.
Comment: The p.N931H variant (also known as c.2791A>C), located in coding exon 17 of the RAD50 gene, results from an A to C substitution at nucleotide position 2791. The asparagine at codon 931 is replaced by histidine, an amino acid with similar properties. This variant was not reported in population based cohorts in the following databases: Database of Single Nucleotide Polymorphisms (dbSNP), NHLBI Exome Sequencing Project (ESP), and 1000 Genomes Project. To date, this alteration has been detected with an allele frequency of approximately 0.002% (greater than 120000 alleles tested) in our clinical cohort. This amino acid position is not well conserved in available vertebrate species. In addition, this alteration is predicted to be tolerated by in silico analysis. Since supporting evidence is limited at this time, the clinical significance of p.N931H remains unclear.

NM_005732.4(RAD50):c.2791A>C (p.Asn931His)

Gene: RAD50 (RAD50 double strand break repair protein; plus strand). Cytogenetic location: 5q31.1.
Variant type: single nucleotide variant.
Coding change: c.2791A>C on transcript NM_005732.4 (MANE Select); coding-DNA position 2791, A replaced by C.
Protein change: p.Asn931His; replaces asparagine 931 with histidine.
Molecular consequence: missense variant.
Genome position (GRCh38, 1-based): chr5:132,608,687, A>C. VCF-style: chr5-132608687-A-C. GRCh37 (hg19) VCF-style: chr5-131944379-A-C.
Other names: short protein forms N931H.
Identifiers: ClinVar variation 141619 (VCV000141619.13), dbSNP rs587781882, ClinGen allele CA165958.